The following is an entry in ClinVar:

ClinVar aggregate classification (germline): Uncertain significance (1 of 4 stars; one submission).

Conditions:
Brugada syndrome 8 (BRGDA8). Identifiers: Orphanet 130, MedGen C2751083, MONDO:0013148, OMIM 613123.

Allele frequency attached by ClinVar (database versions not stated): ExAC 0.00001; gnomAD 0.00001; gnomAD exomes below 0.00001; TOPMed below 0.00001.

Submission:

Labcorp Genetics (formerly Invitae), Labcorp
Classification: Uncertain significance for Brugada syndrome 8. Last evaluated: 2024-06-11. Review status: criteria provided, single submitter. Criteria: Invitae Variant Classification Sherloc (09022015). Collection method: clinical testing. Allele origin: germline.
Comment: This sequence change replaces methionine, which is neutral and non-polar, with threonine, which is neutral and polar, at codon 752 of the HCN4 protein (p.Met752Thr). This variant is present in population databases (rs768773295, gnomAD 0.002%). This variant has not been reported in the literature in individuals affected with HCN4-related conditions. Advanced modeling of protein sequence and biophysical properties (such as structural, functional, and spatial information, amino acid conservation, physicochemical variation, residue mobility, and thermodynamic stability) performed at Invitae indicates that this missense variant is not expected to disrupt HCN4 protein function with a negative predictive value of 80%. In summary, the available evidence is currently insufficient to determine the role of this variant in disease. Therefore, it has been classified as a Variant of Uncertain Significance.

NM_005477.3(HCN4):c.2255T>C (p.Met752Thr)

Gene: HCN4 (hyperpolarization activated cyclic nucleotide gated potassium channel 4; minus strand). Cytogenetic location: 15q24.1.
Variant type: single nucleotide variant.
Coding change: c.2255T>C on transcript NM_005477.3 (MANE Select); coding-DNA position 2255, T replaced by C.
Protein change: p.Met752Thr; replaces methionine 752 with threonine.
Molecular consequence: missense variant.
Genome position (GRCh38, 1-based): chr15:73,323,838, A>G on the plus strand (T>C on the coding strand, the complement: HCN4 is on the minus strand). VCF-style: chr15-73323838-A-G. GRCh37 (hg19) VCF-style: chr15-73616179-A-G.
Other names: short protein forms M752T.
Identifiers: ClinVar variation 3718553 (VCV003718553.2), dbSNP rs768773295.